The following is an entry in ClinVar:

ClinVar aggregate classification (germline): Uncertain significance. Review status: criteria provided, multiple submitters, no conflicts (2 of 4 stars). 2 submissions from 2 submitters: Uncertain significance (2). Last evaluated 2025-12-16.

Conditions:
EXPH5-related disorder. Also called: EXPH5-related condition.

Allele frequency attached by ClinVar (database versions not stated): ExAC 0.00026; TOPMed 0.00026; gnomAD exomes 0.00031 and 0.00035; gnomAD 0.00037 and 0.00038; ESP Exome Variant Server 0.00046; 1000 Genomes Project 0.00060; 1000 Genomes Project 30x 0.00062.
gnomAD v4.1: 506 of 1,613,016 alleles (0.031%); highest among the groups gnomAD compares: Admixed American, 0.095%; no homozygotes.

Submissions (2):

PreventionGenetics, part of Exact Sciences
Classification: Uncertain significance for EXPH5-related condition. Last evaluated: 2025-12-16. Review status: criteria provided, single submitter. Criteria: ACMG Guidelines, 2015. Collection method: clinical testing. Allele origin: germline.
Comment: The EXPH5 c.4336G>A variant is predicted to result in the amino acid substitution p.Glu1446Lys. To our knowledge, this variant has not been reported in the literature. This variant is reported in 0.091% of alleles in individuals of Latino descent in gnomAD. Although we suspect that this variant may be benign, at this time, the clinical significance of this variant is uncertain due to the absence of conclusive functional and genetic evidence.

Labcorp Genetics (formerly Invitae), Labcorp
Classification: Uncertain significance. Last evaluated: 2021-07-11. Review status: criteria provided, single submitter. Criteria: Invitae Variant Classification Sherloc (09022015). Collection method: clinical testing. Allele origin: germline.
Comment: Algorithms developed to predict the effect of missense changes on protein structure and function output the following: SIFT: "Tolerated"; PolyPhen-2: "Benign"; Align-GVGD: "Class C0". The lysine amino acid residue is found in multiple mammalian species, which suggests that this missense change does not adversely affect protein function. This sequence change replaces glutamic acid with lysine at codon 1446 of the EXPH5 protein (p.Glu1446Lys). The glutamic acid residue is moderately conserved and there is a small physicochemical difference between glutamic acid and lysine. This variant is present in population databases (rs141172581, ExAC 0.07%). This variant has not been reported in the literature in individuals affected with EXPH5-related conditions. In summary, the available evidence is currently insufficient to determine the role of this variant in disease. Therefore, it has been classified as a Variant of Uncertain Significance.

NM_015065.3(EXPH5):c.4336G>A (p.Glu1446Lys)

Gene: EXPH5 (exophilin 5; minus strand). Cytogenetic location: 11q22.3.
Variant type: single nucleotide variant.
Coding change: c.4336G>A on transcript NM_015065.3 (MANE Select); coding-DNA position 4336, G replaced by A.
Protein change: p.Glu1446Lys; replaces glutamic acid 1446 with lysine.
Molecular consequence: missense variant.
Genome position (GRCh38, 1-based): chr11:108,511,171, C>T on the plus strand (G>A on the coding strand, the complement: EXPH5 is on the minus strand). VCF-style: chr11-108511171-C-T. GRCh37 (hg19) VCF-style: chr11-108381898-C-T.
Other names: c.4336G>A (NM_015065.2); c.4108G>A, p.Glu1370Lys (NM_001144763.2); c.3868G>A, p.Glu1290Lys (NM_001144764.2); c.3772G>A, p.Glu1258Lys (NM_001144765.2); c.4315G>A, p.Glu1439Lys (NM_001308019.2); short protein forms E1258K, E1290K, E1370K, E1439K, E1446K.
Identifiers: ClinVar variation 1398808 (VCV001398808.9), dbSNP rs141172581, ClinGen allele CA6267538.